The following is an entry in ClinVar:

ClinVar aggregate classification (germline): Likely benign. Review status: criteria provided, multiple submitters, no conflicts (2 of 4 stars). 4 submissions from 4 submitters: Likely benign (4). Last evaluated 2026-05-31.

Conditions:
KCNQ4-related disorder. Also called: KCNQ4-related condition.

Allele frequency attached by ClinVar (database versions not stated): ExAC 0.00001; gnomAD 0.00006 and 0.00007; TOPMed 0.00015; 1000 Genomes Project 0.00060; 1000 Genomes Project 30x 0.00062.
gnomAD v4.1: 75 of 1,605,294 alleles (0.0047%); highest among the groups gnomAD compares: Admixed American, 0.022%; no homozygotes.

Submissions (4):

PreventionGenetics, part of Exact Sciences
Classification: Likely benign for KCNQ4-related condition. Last evaluated: 2026-05-31. Review status: criteria provided, single submitter. Criteria: ACMG Guidelines, 2015. Collection method: clinical testing. Allele origin: germline.
Comment: This variant is classified as likely benign based on ACMG/AMP sequence variant interpretation guidelines (Richards et al. 2015 PMID: 25741868, with internal and published modifications).

Labcorp Genetics (formerly Invitae), Labcorp
Classification: Likely benign. Last evaluated: 2024-11-13. Review status: criteria provided, single submitter. Criteria: Invitae Variant Classification Sherloc (09022015). Collection method: clinical testing. Allele origin: germline.

Blueprint Genetics
Classification: Likely benign. Last evaluated: 2024-03-27. Review status: criteria provided, single submitter. Criteria: ACMG Guidelines, 2015. Collection method: clinical testing. Allele origin: germline.

GeneDx
Classification: Likely benign. Last evaluated: 2019-01-10. Review status: criteria provided, single submitter. Criteria: GeneDx Variant Classification Process June 2021. Collection method: clinical testing. Allele origin: germline. Affected: yes.

NM_004700.4(KCNQ4):c.222G>A (p.Ser74=)

Gene: KCNQ4 (potassium voltage-gated channel subfamily Q member 4; plus strand). Cytogenetic location: 1p34.2.
Variant type: single nucleotide variant.
Coding change: c.222G>A on transcript NM_004700.4 (MANE Select); coding-DNA position 222, G replaced by A.
Protein change: p.Ser74=; no amino-acid change (serine 74 retained).
Molecular consequence: synonymous variant.
Genome position (GRCh38, 1-based): chr1:40,784,315, G>A. VCF-style: chr1-40784315-G-A. GRCh37 (hg19) VCF-style: chr1-41249987-G-A.
Other names: c.222G>A, p.Ser74= (NM_172163.3).
Identifiers: ClinVar variation 1215845 (VCV001215845.8), dbSNP rs200001289, ClinGen allele CA794463.
Genomic context (GRCh38, chr1:40,784,315, plus strand): 5'-GGGCGCGCCCCTCCCTGGGCCGGGCTCCGGCTCGGGCTCCGCCTGCGGCCAGCGCTCCTC[G>A]GCCGCGCACAAGCGCTACCGCCGCCTGCAGAACTGGGTCTACAACGTGCTGGAGCGGCCC-3'
Protein context (NP_004691.2, residues 64-84): GSGSACGQRS[Ser74=]AAHKRYRRLQ